The following is an entry in ClinVar:

NM_182961.4(SYNE1):c.12011A>T (p.Gln4004Leu)

Gene: SYNE1 (spectrin repeat containing nuclear envelope protein 1; minus strand). Cytogenetic location: 6q25.2.
Variant type: single nucleotide variant.
Coding change: c.12011A>T on transcript NM_182961.4 (MANE Select); coding-DNA position 12011, A replaced by T.
Protein change: p.Gln4004Leu; replaces glutamine 4004 with leucine.
Molecular consequence: missense variant.
Genome position (GRCh38, 1-based): chr6:152,347,126, T>A on the plus strand (A>T on the coding strand, the complement: SYNE1 is on the minus strand). VCF-style: chr6-152347126-T-A. GRCh37 (hg19) VCF-style: chr6-152668261-T-A.
Other names: c.11798A>T, p.Gln3933Leu (NM_033071.5); short protein forms Q3933L, Q4004L.
Identifiers: ClinVar variation 3755609 (VCV003755609.2).

ClinVar aggregate classification (germline): Uncertain significance (1 of 4 stars; one submission).

Conditions:
Emery-Dreifuss muscular dystrophy 4, autosomal dominant (EDMD4). Also called: EMERY-DREIFUSS MUSCULAR DYSTROPHY 4 WITH VARIABLE FEATURES. Identifiers: Orphanet 261, MedGen C2751807, MONDO:0013071, OMIM 612998.
Autosomal recessive ataxia, Beauce type. Also called: Spinocerebellar ataxia, autosomal recessive 8; ATAXIA, RECESSIVE, OF BEAUCE; SYNE1-Related Autosomal Recessive Cerebellar Ataxia; SYNE1 Deficiency. Identifiers: Orphanet 88644, MedGen C1853116, MONDO:0012549, OMIM 610743.

gnomAD v4.1: 3 of 1,614,084 alleles (0.00019%); highest among the groups gnomAD compares: Non-Finnish European, 0.00025%; no homozygotes.

Submission:

Labcorp Genetics (formerly Invitae), Labcorp
Classification: Uncertain significance for Emery-Dreifuss muscular dystrophy 4, autosomal dominant; Autosomal recessive ataxia, Beauce type. Last evaluated: 2024-03-31. Review status: criteria provided, single submitter. Criteria: Invitae Variant Classification Sherloc (09022015). Collection method: clinical testing. Allele origin: germline.
Comment: This sequence change replaces glutamine, which is neutral and polar, with leucine, which is neutral and non-polar, at codon 3933 of the SYNE1 protein (p.Gln3933Leu). This variant is present in population databases (no rsID available, gnomAD 0.007%). This variant has not been reported in the literature in individuals affected with SYNE1-related conditions. An algorithm developed to predict the effect of missense changes on protein structure and function (PolyPhen-2) suggests that this variant is likely to be tolerated. In summary, the available evidence is currently insufficient to determine the role of this variant in disease. Therefore, it has been classified as a Variant of Uncertain Significance.